The following is an entry in ClinVar:

ClinVar aggregate classification (germline): Benign. Review status: criteria provided, single submitter (1 of 4 stars). 2 submissions from 2 submitters: Benign (1). 1 of the submissions does not count toward it. Last evaluated 2018-01-13.

Conditions:
KRT4-related disorder. Also called: KRT4-related condition.
White sponge nevus 1. Also called: LEUKOKERATOSIS, HEREDITARY MUCOSAL. Identifiers: MedGen C4011926, MONDO:0008676, OMIM 193900.

Allele frequency attached by ClinVar (database versions not stated): 1000 Genomes Project 30x 0.00141; 1000 Genomes Project 0.00160; TOPMed 0.00182; gnomAD 0.00223 and 0.00235; ESP Exome Variant Server 0.00279; gnomAD exomes 0.00321 and 0.00375; ExAC 0.00417.

Submissions (2):

Illumina Laboratory Services, Illumina
Classification: Benign for White sponge nevus 1. Last evaluated: 2018-01-13. Review status: criteria provided, single submitter. Criteria: ICSL Variant Classification Criteria 13 December 2019. Collection method: clinical testing. Allele origin: germline.
Comment: This variant was observed in the ICSL laboratory as part of a predisposition screen in an ostensibly healthy population. It had not been previously curated by ICSL or reported in the Human Gene Mutation Database (HGMD: prior to June 1st, 2018), and was therefore a candidate for classification through an automated scoring system. Utilizing variant allele frequency, disease prevalence and penetrance estimates, and inheritance mode, an automated score was calculated to assess if this variant is too frequent to cause the disease. Based on the score and internal cut-off values, a variant classified as benign is not then subjected to further curation. The score for this variant resulted in a classification of benign for this disease.

PreventionGenetics, part of Exact Sciences
Classification: Benign for KRT4-related condition. Last evaluated: 2020-02-18. Review status: no assertion criteria provided. Collection method: clinical testing. Allele origin: germline. Not counted in ClinVar's aggregate classification.
Comment: This variant is classified as benign based on ACMG/AMP sequence variant interpretation guidelines (Richards et al. 2015 PMID: 25741868, with internal and published modifications).

NM_002272.4(KRT4):c.623G>A (p.Arg208His)

Gene: KRT4 (keratin 4; minus strand). Cytogenetic location: 12q13.13.
Variant type: single nucleotide variant.
Coding change: c.623G>A on transcript NM_002272.4 (MANE Select); coding-DNA position 623, G replaced by A.
Protein change: p.Arg208His; replaces arginine 208 with histidine.
Molecular consequence: missense variant.
Genome position (GRCh38, 1-based): chr12:52,811,817, C>T on the plus strand (G>A on the coding strand, the complement: KRT4 is on the minus strand). VCF-style: chr12-52811817-C-T. GRCh37 (hg19) VCF-style: chr12-53205601-C-T.
Other names: short protein forms R208H.
Identifiers: ClinVar variation 309689 (VCV000309689.7), dbSNP rs201795280, ClinGen allele CA6588678.